The following is an entry in ClinVar:

NM_000304.4(PMP22):c.200C>A (p.Ala67Asp)

Gene: PMP22 (peripheral myelin protein 22; minus strand). Cytogenetic location: 17p12.
Variant type: single nucleotide variant.
Coding change: c.200C>A on transcript NM_000304.4 (MANE Select); coding-DNA position 200, C replaced by A.
Protein change: p.Ala67Asp; replaces alanine 67 with aspartic acid.
Molecular consequence: missense variant. On other transcripts: non-coding transcript variant (2).
Genome position (GRCh38, 1-based): chr17:15,239,590, G>T on the plus strand (C>A on the coding strand, the complement: PMP22 is on the minus strand). VCF-style: chr17-15239590-G-T. GRCh37 (hg19) VCF-style: chr17-15142907-G-T.
Other names: c.200C>A, p.Ala67Asp (NM_001281455.2, NM_001281456.2, NM_001330143.2 and 2 more transcripts); short protein forms A67D.
Identifiers: ClinVar variation 4891354 (VCV004891354.1).

ClinVar aggregate classification (germline): Likely pathogenic (1 of 4 stars; one submission).

Submission:

GeneDx
Classification: Likely pathogenic. Last evaluated: 2026-03-12. Review status: criteria provided, single submitter. Criteria: GeneDx Variant Classification Process June 2021. Collection method: clinical testing. Allele origin: germline.
Comment: Reported previously in a patient with a suspected inherited peripheral neuropathy and in a patient previously misdiagnosed with CIDP; however, no specific clinical information was provided (PMID: 26392352, 34060689); Not observed at significant frequency in large population cohorts (gnomAD); In silico analysis supports that this missense variant has a deleterious effect on protein structure/function; This variant is associated with the following publications: (PMID: 26392352, 34060689, 11920834, 10330345)